The following is an entry in ClinVar:

ClinVar aggregate classification (germline): Uncertain significance (1 of 4 stars; one submission).

Conditions:
NPHP1-related disorder. Also called: NPHP1-related disorders; NPHP1-related condition.

Submission:

PreventionGenetics, part of Exact Sciences
Classification: Uncertain significance for NPHP1-related condition. Last evaluated: 2025-05-22. Review status: criteria provided, single submitter. Criteria: ACMG Guidelines, 2015. Collection method: clinical testing. Allele origin: germline.
Comment: The NPHP1 c.1205A>G variant is predicted to result in the amino acid substitution p.Gln402Arg. To our knowledge, this variant has not been reported in the literature or in a large population database (gnomAD), indicating this variant is rare. At this time, the clinical significance of this variant is uncertain due to the absence of conclusive functional and genetic evidence.

NM_001128178.3(NPHP1):c.1037A>G (p.Gln346Arg)

Gene: NPHP1 (nephrocystin 1; minus strand). Cytogenetic location: 2q13.
Variant type: single nucleotide variant.
Coding change: c.1037A>G on transcript NM_001128178.3 (MANE Select); coding-DNA position 1037, A replaced by G.
Protein change: p.Gln346Arg; replaces glutamine 346 with arginine.
Molecular consequence: missense variant.
Genome position (GRCh38, 1-based): chr2:110,160,173, T>C on the plus strand (A>G on the coding strand, the complement: NPHP1 is on the minus strand). VCF-style: chr2-110160173-T-C. GRCh37 (hg19) VCF-style: chr2-110917750-T-C.
Other names: c.1205A>G, p.Gln402Arg (NM_000272.5); c.848A>G, p.Gln283Arg (NM_001128179.3); c.1034A>G, p.Gln345Arg (NM_001374256.1); c.1037A>G, p.Gln346Arg (NM_001374257.1); c.1202A>G, p.Gln401Arg (NM_207181.4); short protein forms Q402R, Q345R, Q283R, Q346R, Q401R.
Identifiers: ClinVar variation 5002526 (VCV005002526.1).